The following is an entry in ClinVar:

NM_005732.4(RAD50):c.2113C>T (p.Leu705=)

Gene: RAD50 (RAD50 double strand break repair protein; plus strand). Cytogenetic location: 5q31.1.
Variant type: single nucleotide variant.
Coding change: c.2113C>T on transcript NM_005732.4 (MANE Select); coding-DNA position 2113, C replaced by T.
Protein change: p.Leu705=; no amino-acid change (leucine 705 retained).
Molecular consequence: synonymous variant.
Genome position (GRCh38, 1-based): chr5:132,595,716, C>T. VCF-style: chr5-132595716-C-T. GRCh37 (hg19) VCF-style: chr5-131931408-C-T.
Identifiers: ClinVar variation 230498 (VCV000230498.22), dbSNP rs779776271, ClinGen allele CA3405330.

ClinVar aggregate classification (germline): Benign/Likely benign. Review status: criteria provided, multiple submitters, no conflicts (2 of 4 stars). 6 submissions from 6 submitters: Benign (1); Likely benign (4). 1 of the submissions does not count toward it. Last evaluated 2025-07-30.

Conditions:
RAD50-related disorder. Also called: RAD50-related condition.
Hereditary cancer-predisposing syndrome. Also called: Neoplastic Syndromes, Hereditary; Tumor predisposition; Hereditary Cancer Syndrome; Hereditary neoplastic syndrome. Identifiers: Orphanet 140162, MedGen C0027672, MeSH D009386, MONDO:0015356.
Nijmegen breakage syndrome-like disorder (NBSLD). Also called: MICROCEPHALY AND SPONTANEOUS CHROMOSOME INSTABILITY WITHOUT IMMUNODEFICIENCY; NBS-LIKE DISORDER; RAD50 DEFICIENCY. Identifiers: Orphanet 240760, MedGen C2751318, MONDO:0013118, OMIM 613078.

Allele frequency attached by ClinVar (database versions not stated): gnomAD 0.00002; gnomAD exomes 0.00004 and 0.00008; ExAC 0.00005; TOPMed 0.00005.

Submissions (6):

Labcorp Genetics (formerly Invitae), Labcorp
Classification: Likely benign for Hereditary cancer-predisposing syndrome. Last evaluated: 2025-07-30. Review status: criteria provided, single submitter. Criteria: Invitae Variant Classification Sherloc (09022015). Collection method: clinical testing. Allele origin: germline.

Quest Diagnostics Nichols Institute San Juan Capistrano
Classification: Likely benign. Last evaluated: 2025-02-26. Review status: criteria provided, single submitter. Criteria: Quest Diagnostics criteria. Collection method: clinical testing. Allele origin: unknown.

Women's Health and Genetics/Laboratory Corporation of America, LabCorp
Classification: Benign. Last evaluated: 2024-03-10. Review status: criteria provided, single submitter. Criteria: LabCorp Variant Classification Summary - May 2015. Collection method: clinical testing. Allele origin: germline.

Sema4
Classification: Likely benign for Nijmegen breakage syndrome-like disorder. Last evaluated: 2021-05-18. Review status: criteria provided, single submitter. Criteria: Sema4 Curation Guidelines. Collection method: curation. Allele origin: germline.

Ambry Genetics
Classification: Likely benign for Hereditary cancer-predisposing syndrome. Last evaluated: 2015-02-17. Review status: criteria provided, single submitter. Criteria: Ambry Variant Classification Scheme 2023. Collection method: clinical testing. Allele origin: germline.

PreventionGenetics, part of Exact Sciences
Classification: Likely benign for RAD50-related condition. Last evaluated: 2024-08-21. Review status: no assertion criteria provided. Collection method: clinical testing. Allele origin: germline. Not counted in ClinVar's aggregate classification.
Comment: This variant is classified as likely benign based on ACMG/AMP sequence variant interpretation guidelines (Richards et al. 2015 PMID: 25741868, with internal and published modifications).